The following is an entry in ClinVar:

NM_001184.4(ATR):c.6956G>C (p.Gly2319Ala)

Gene: ATR (ATR checkpoint kinase; minus strand). Cytogenetic location: 3q23.
Variant type: single nucleotide variant.
Coding change: c.6956G>C on transcript NM_001184.4 (MANE Select); coding-DNA position 6956, G replaced by C.
Protein change: p.Gly2319Ala; replaces glycine 2319 with alanine.
Molecular consequence: missense variant.
Genome position (GRCh38, 1-based): chr3:142,465,182, C>G on the plus strand (G>C on the coding strand, the complement: ATR is on the minus strand). VCF-style: chr3-142465182-C-G. GRCh37 (hg19) VCF-style: chr3-142184024-C-G.
Other names: c.6764G>C, p.Gly2255Ala (NM_001354579.2); short protein forms G2255A, G2319A.
Identifiers: ClinVar variation 3221268 (VCV003221268.1), dbSNP rs2108271205, ClinGen allele CA354800665.

ClinVar aggregate classification (germline): Uncertain significance (1 of 4 stars; one submission).

Conditions:
Inborn genetic diseases. Identifiers: MedGen C0950123, MeSH D030342.

Submission:

Ambry Genetics
Classification: Uncertain significance for Inborn genetic diseases. Last evaluated: 2024-03-02. Review status: criteria provided, single submitter. Criteria: Ambry Variant Classification Scheme 2023. Collection method: clinical testing. Allele origin: germline.
Comment: The p.G2319A variant (also known as c.6956G>C), located in coding exon 41 of the ATR gene, results from a G to C substitution at nucleotide position 6956. The glycine at codon 2319 is replaced by alanine, an amino acid with similar properties. This amino acid position is conserved. In addition, this alteration is predicted to be deleterious by in silico analysis. Based on the available evidence, the clinical significance of this alteration remains unclear.